The following is an entry in ClinVar:

NM_006118.4(HAX1):c.569A>T (p.Gln190Leu)

Gene: HAX1 (HCLS1 associated protein X-1; plus strand). Cytogenetic location: 1q21.3.
Variant type: single nucleotide variant.
Coding change: c.569A>T on transcript NM_006118.4 (MANE Select); coding-DNA position 569, A replaced by T.
Protein change: p.Gln190Leu; replaces glutamine 190 with leucine.
Molecular consequence: missense variant.
Genome position (GRCh38, 1-based): chr1:154,275,166, A>T. VCF-style: chr1-154275166-A-T. GRCh37 (hg19) VCF-style: chr1-154247642-A-T.
Other names: c.425A>T, p.Gln142Leu (NM_001018837.2); short protein forms Q142L, Q190L.
Identifiers: ClinVar variation 4033841 (VCV004033841.1).

ClinVar aggregate classification (germline): Uncertain significance (1 of 4 stars; one submission).

Conditions:
Inborn genetic diseases. Identifiers: MedGen C0950123, MeSH D030342.

Submission:

Ambry Genetics
Classification: Uncertain significance for Inborn genetic diseases. Last evaluated: 2025-04-06. Review status: criteria provided, single submitter. Criteria: Ambry Variant Classification Scheme 2023. Collection method: clinical testing. Allele origin: germline.
Comment: The p.Q190L variant (also known as c.569A>T), located in coding exon 5 of the HAX1 gene, results from an A to T substitution at nucleotide position 569. The glutamine at codon 190 is replaced by leucine, an amino acid with dissimilar properties. This amino acid position is conserved. In addition, this alteration is predicted to be tolerated by in silico analysis. Based on the available evidence, the clinical significance of this variant remains unclear.